The following is an entry in ClinVar:

NM_032108.4(SEMA6B):c.1930del (p.Ala644fs)

Gene: SEMA6B (semaphorin 6B; minus strand). Cytogenetic location: 19p13.3.
Variant type: Deletion.
Coding change: c.1930del on transcript NM_032108.4 (MANE Select); coding-DNA position 1930, one base deleted (G; older notation c.1930delG).
Protein change: p.Ala644fs; shifts the reading frame from alanine 644.
Molecular consequence: frameshift variant.
Genome position (GRCh38, 1-based): chr19:4,544,338, C deleted on the plus strand (G on the coding strand, the reverse complement: SEMA6B is on the minus strand); the first of 4 consecutive C bases (chr19:4,544,338-4,544,341); deleting any one gives the same sequence. VCF-style (leftmost placement, unchanged base first): chr19-4544337-GC-G. GRCh37 (hg19) VCF-style: chr19-4544349-GC-G.
Other names: short protein forms A644fs.
Identifiers: ClinVar variation 1316022 (VCV001316022.3), dbSNP rs2145342741, ClinGen allele CA2573054788.

ClinVar aggregate classification (germline): Pathogenic (1 of 4 stars; one submission).

Submission:

GeneDx
Classification: Pathogenic. Last evaluated: 2021-12-17. Review status: criteria provided, single submitter. Criteria: GeneDx Variant Classification Process June 2021. Collection method: clinical testing. Allele origin: germline. Affected: yes.
Comment: Frameshift variant predicted to result in protein truncation, as the last 245 amino acids are replaced with 5 different amino acids, and other loss-of-function variants have been reported downstream in the Human Gene Mutation Database (Stenson et al., 2014); Not observed at a significant frequency in large population cohorts (Lek et al., 2016); Has not been previously published as pathogenic or benign to our knowledge